The following is an entry in ClinVar:

ClinVar aggregate classification (germline): Likely benign (1 of 4 stars; one submission).

Allele frequency attached by ClinVar (database versions not stated): 1000 Genomes Project 30x 0.00031; 1000 Genomes Project 0.00040; ESP Exome Variant Server 0.00067; TOPMed 0.00085; gnomAD 0.00115; gnomAD exomes 0.00125; ExAC 0.00140.
gnomAD v4.1: 1,976 of 1,613,152 alleles (0.12%); highest among the groups gnomAD compares: Non-Finnish European, 0.14%; 5 homozygotes.

Submission:

CeGaT Center for Human Genetics Tuebingen
Classification: Likely benign. Last evaluated: 2023-10-01. Review status: criteria provided, single submitter. Criteria: CeGaT Center For Human Genetics Tuebingen Variant Classification Criteria Version 2. Collection method: clinical testing. Allele origin: germline. Affected: yes. Observed: 1 variant allele.
Comment: CHD9: BP4, BS2

NM_001308319.2(CHD9):c.1722A>G (p.Pro574=)

Gene: CHD9 (chromodomain helicase DNA binding protein 9; plus strand). Cytogenetic location: 16q12.2.
Variant type: single nucleotide variant.
Coding change: c.1722A>G on transcript NM_001308319.2 (MANE Select); coding-DNA position 1722, A replaced by G.
Protein change: p.Pro574=; no amino-acid change (proline 574 retained).
Molecular consequence: synonymous variant.
Genome position (GRCh38, 1-based): chr16:53,209,751, A>G. VCF-style: chr16-53209751-A-G. GRCh37 (hg19) VCF-style: chr16-53243663-A-G.
Other names: c.1722A>G, p.Pro574= (NM_001352127.3, NM_001382353.1, NM_025134.7); c.300A>G, p.Pro100= (NM_001352156.3, NM_001352157.3); c.201A>G, p.Pro67= (NM_001352158.3, NM_001382354.1, NM_001382355.1).
Identifiers: ClinVar variation 2646532 (VCV002646532.24), dbSNP rs200843001, ClinGen allele CA8054449.
Genomic context (GRCh38, chr16:53,209,751, plus strand): 5'-TCCTACTGCTTCAGTTGAAGGAAAAGAGGAAAAGAAAGGTAGAAGGATGAAATCCAAGCC[A>G]AAGGACAAAGACAGCAAAAAAACAAAAACATGTTCTAAGTTAAAAGAGAAGACAAAAATT-3'
Protein context (NP_001295248.1, residues 564-584): EKKGRRMKSK[Pro574=]KDKDSKKTKT